The following is an entry in ClinVar:

NM_015141.4(GPD1L):c.774C>A (p.Cys258Ter)

Gene: GPD1L (glycerol-3-phosphate dehydrogenase 1 like; plus strand). Cytogenetic location: 3p22.3.
Variant type: single nucleotide variant.
Coding change: c.774C>A on transcript NM_015141.4 (MANE Select); coding-DNA position 774, C replaced by A.
Protein change: p.Cys258Ter; replaces cysteine 258 with a stop codon.
Molecular consequence: nonsense.
Genome position (GRCh38, 1-based): chr3:32,159,031, C>A. VCF-style: chr3-32159031-C-A. GRCh37 (hg19) VCF-style: chr3-32200523-C-A.
Other names: short protein forms C258*.
Identifiers: ClinVar variation 4728102 (VCV004728102.1).
Genomic context (GRCh38, chr3:32,159,031, plus strand): 5'-TGCTTTTGCCAGGATCTTCTGCAAAGGCCAAGTGTCTACAGCCACCTTCCTAGAGAGCTG[C>A]GGGGTGGCCGACCTGATCACCACCTGTTACGGAGGGCGGAACCGCAGGGTGGCCGAGGCC-3'

ClinVar aggregate classification (germline): Uncertain significance (1 of 4 stars; one submission).

Conditions:
Brugada syndrome. Also called: Sudden unexpected nocturnal death syndrome; Sudden Unexplained Nocturnal Death Syndrome (SUNDS); Sudden unexplained nocturnal death syndrome; Sudden Unexplained Death Syndrome. Identifiers: Orphanet 130, MedGen C1142166, MONDO:0015263.

Submission:

Labcorp Genetics (formerly Invitae), Labcorp
Classification: Uncertain significance for Brugada syndrome. Last evaluated: 2025-10-02. Review status: criteria provided, single submitter. Criteria: Invitae Variant Classification Sherloc (09022015). Collection method: clinical testing. Allele origin: germline.
Comment: This sequence change creates a premature translational stop signal (p.Cys258*) in the GPD1L gene. It is expected to result in an absent or disrupted protein product. However, the current clinical and genetic evidence is not sufficient to establish whether loss-of-function variants in GPD1L cause disease. This variant is not present in population databases (gnomAD no frequency). This variant has not been reported in the literature in individuals affected with GPD1L-related conditions. Experimental studies and prediction algorithms are not available or were not evaluated, and the functional significance of this variant is currently unknown. In summary, the available evidence is currently insufficient to determine the role of this variant in disease. Therefore, it has been classified as a Variant of Uncertain Significance.